The following is an entry in ClinVar:

ClinVar aggregate classification (germline): Uncertain significance (1 of 4 stars; one submission).

Allele frequency attached by ClinVar (database versions not stated): gnomAD exomes below 0.00001; TOPMed below 0.00001; gnomAD 0.00001.
gnomAD v4.1: 3 of 1,608,082 alleles (0.00019%); highest among the groups gnomAD compares: Non-Finnish European, 0.00025%; no homozygotes.

Submission:

Labcorp Genetics (formerly Invitae), Labcorp
Classification: Uncertain significance. Last evaluated: 2022-05-15. Review status: criteria provided, single submitter. Criteria: Invitae Variant Classification Sherloc (09022015). Collection method: clinical testing. Allele origin: germline.
Comment: This variant has not been reported in the literature in individuals affected with GPR179-related conditions. This variant is not present in population databases (gnomAD no frequency). This sequence change replaces serine, which is neutral and polar, with glycine, which is neutral and non-polar, at codon 842 of the GPR179 protein (p.Ser842Gly). In summary, the available evidence is currently insufficient to determine the role of this variant in disease. Therefore, it has been classified as a Variant of Uncertain Significance. Algorithms developed to predict the effect of missense changes on protein structure and function are either unavailable or do not agree on the potential impact of this missense change (SIFT: "Deleterious"; PolyPhen-2: "Probably Damaging"; Align-GVGD: "Class C0").

NM_001004334.4(GPR179):c.2524A>G (p.Ser842Gly)

Gene: GPR179 (G protein-coupled receptor 179; minus strand). Cytogenetic location: 17q12.
Variant type: single nucleotide variant.
Coding change: c.2524A>G on transcript NM_001004334.4 (MANE Select); coding-DNA position 2524, A replaced by G.
Protein change: p.Ser842Gly; replaces serine 842 with glycine.
Molecular consequence: missense variant.
Genome position (GRCh38, 1-based): chr17:38,331,045, T>C on the plus strand (A>G on the coding strand, the complement: GPR179 is on the minus strand). VCF-style: chr17-38331045-T-C. GRCh37 (hg19) VCF-style: chr17-36486928-T-C.
Other names: short protein forms S842G.
Identifiers: ClinVar variation 1952629 (VCV001952629.5), dbSNP rs1482225126, ClinGen allele CA398883059.